The following is an entry in ClinVar:

NM_031466.8(TRAPPC9):c.-124del

Gene: TRAPPC9 (trafficking protein particle complex subunit 9; minus strand). Cytogenetic location: 8q24.3.
Variant type: Deletion.
Coding change: c.-124del on transcript NM_031466.8; 124 bases upstream of the start codon, one base deleted (G; older notation c.-124delG).
Molecular consequence: 5 prime UTR variant.
Genome position (GRCh38, 1-based): chr8:140,458,394, C deleted on the plus strand (G on the coding strand, the reverse complement: TRAPPC9 is on the minus strand); the first of 6 consecutive C bases (chr8:140,458,394-140,458,399); deleting any one gives the same sequence. VCF-style (leftmost placement, unchanged base first): chr8-140458393-AC-A. GRCh37 (hg19) VCF-style: chr8-141468492-AC-A.
Identifiers: ClinVar variation 3604205 (VCV003604205.2).

ClinVar aggregate classification (germline): Pathogenic (1 of 4 stars; one submission).

Submission:

Labcorp Genetics (formerly Invitae), Labcorp
Classification: Pathogenic. Last evaluated: 2025-12-11. Review status: criteria provided, single submitter. Criteria: Invitae Variant Classification Sherloc (09022015). Collection method: clinical testing. Allele origin: germline.
Comment: This sequence change creates a premature translational stop signal (p.Tyr58Thrfs*22) in the TRAPPC9 gene. It is expected to result in an absent or disrupted protein product. Loss-of-function variants in TRAPPC9 are known to be pathogenic (PMID: 2000476, 20004763, 20004764). The frequency data for this variant in the population databases is considered unreliable, as metrics indicate poor data quality at this position in the gnomAD database. This variant has not been reported in the literature in individuals affected with TRAPPC9-related conditions. ClinVar contains an entry for this variant (Variation ID: 3604205). For these reasons, this variant has been classified as Pathogenic.

Literature cited by the submitters: PubMed 2000476; PubMed 20004763; PubMed 20004764.